The following is an entry in ClinVar:

ClinVar aggregate classification (germline): Uncertain significance (1 of 4 stars; one submission).

Submission:

GeneDx
Classification: Uncertain significance. Last evaluated: 2024-02-07. Review status: criteria provided, single submitter. Criteria: GeneDx Variant Classification Process June 2021. Collection method: clinical testing. Allele origin: germline. Affected: yes.
Comment: Not observed at significant frequency in large population cohorts (gnomAD); Nonsense variant predicted to result in protein truncation or nonsense mediated decay in a gene or region of a gene for which loss of function is not a well-established mechanism of disease; Has not been previously published as pathogenic or benign to our knowledge

NM_173348.2(FAM149B1):c.666_669del (p.Glu223_Gly224insTer)

Gene: FAM149B1 (family with sequence similarity 149 member B1; plus strand). Cytogenetic location: 10q22.2.
Variant type: Deletion.
Coding change: c.666_669del on transcript NM_173348.2 (MANE Select); coding-DNA positions 666 to 669, 4 bases deleted (AGAA; older notation c.666_669delAGAA).
Protein change: p.Glu223_Gly224insTer.
Molecular consequence: frameshift variant.
Genome position (GRCh38, 1-based): chr10:73,208,742-73,208,745, AGAA deleted. VCF-style (leftmost placement, unchanged base first): chr10-73208741-CAGAA-C. GRCh37 (hg19) VCF-style: chr10-74968499-CAGAA-C.
Identifiers: ClinVar variation 3368808 (VCV003368808.1).